The following is an entry in ClinVar:

ClinVar aggregate classification (germline): Likely pathogenic (1 of 4 stars; one submission).

Conditions:
Dyskeratosis congenita. Identifiers: Orphanet 1775, MedGen C0265965, MONDO:0015780.

Submission:

Natera, Inc.
Classification: Likely pathogenic for Dyskeratosis congenita. Last evaluated: 2025-10-29. Review status: criteria provided, single submitter. Criteria: Natera Variant Classification Schema (03/2026). Collection method: clinical testing. Allele origin: germline.
Comment: The c.1176dup variant in RTEL1 is a frameshift variant predicted to shift the reading frame beginning at codon 393 and leads to a stop codon 54 codons downstream. This variant is expected to result in nonsense mediated decay, truncation, or a dysfunctional protein product. This variant is rare in the general population with a frequency below the threshold expected for the associated phenotype(s). Given the available evidence, this variant is classified as Likely Pathogenic.

NM_001283009.2(RTEL1):c.1104dup (p.Leu369fs)

Genes: RTEL1-TNFRSF6B (RTEL1-TNFRSF6B readthrough (NMD candidate); plus strand), RTEL1 (regulator of telomere elongation helicase 1; plus strand). Cytogenetic location: 20q13.33.
Variant type: Duplication.
Coding change: c.1104dup on transcript NM_001283009.2 (MANE Select); coding-DNA position 1104, one base duplicated (G; older notation c.1104dupG).
Protein change: p.Leu369fs; shifts the reading frame from leucine 369.
Molecular consequence: frameshift variant. On other transcripts: non-coding transcript variant (1).
Genome position (GRCh38, 1-based): chr20:63,679,915, G duplicated. VCF-style (leftmost placement, unchanged base first): chr20-63679914-C-CG. GRCh37 (hg19) VCF-style: chr20-62311267-C-CG.
Other names: c.435dup, p.Leu146fs (NM_001283010.1); c.1104dup, p.Leu369fs (NM_016434.4); c.1176dup, p.Leu393fs (NM_032957.5); short protein forms L146fs, L369fs, L393fs.
Identifiers: ClinVar variation 4816343 (VCV004816343.1).
Genomic context (GRCh38, chr20:63,679,914, plus strand): 5'-TCTTTGAGCTGTTTGCTGAAGCCCAGATCACGTTTCAGACCAAGGGCTGCATCCTGGACT[C>CG]GCTGGACCAGATCATCCAGCACCTGGCAGGACGTGAGTGCTGGCACGGGGTCTTTGGTGC-3'